The following is an entry in ClinVar:

ClinVar aggregate classification (germline): Uncertain significance (1 of 4 stars; one submission).

Submission:

GeneDx
Classification: Uncertain significance. Last evaluated: 2025-08-06. Review status: criteria provided, single submitter. Criteria: GeneDx Variant Classification Process June 2021. Collection method: clinical testing. Allele origin: germline. Affected: yes.
Comment: Not observed at significant frequency in large population cohorts (gnomAD); In silico analysis supports that this missense variant has a deleterious effect on protein structure/function; Has not been previously published as pathogenic or benign to our knowledge

NM_001113378.2(FANCI):c.3107A>G (p.His1036Arg)

Gene: FANCI (FA complementation group I; plus strand). Cytogenetic location: 15q26.1.
Variant type: single nucleotide variant.
Coding change: c.3107A>G on transcript NM_001113378.2 (MANE Select); coding-DNA position 3107, A replaced by G.
Protein change: p.His1036Arg; replaces histidine 1036 with arginine.
Molecular consequence: missense variant.
Genome position (GRCh38, 1-based): chr15:89,305,163, A>G. VCF-style: chr15-89305163-A-G. GRCh37 (hg19) VCF-style: chr15-89848394-A-G.
Other names: c.2828A>G, p.His943Arg (NM_001376910.1); c.3107A>G, p.His1036Arg (NM_001376911.1); c.2927A>G, p.His976Arg (NM_018193.3); short protein forms H1036R, H943R, H976R.
Identifiers: ClinVar variation 4755584 (VCV004755584.1).